The following is an entry in ClinVar:

ClinVar aggregate classification (germline): Uncertain significance (1 of 4 stars; one submission).

Conditions:
Neuropathy, hereditary sensory and autonomic, type 2A (HSAN2A). Also called: WNK1-Related HSAN2 (HSAN2A); HSAN IIA; ACROOSTEOLYSIS, GIACCAI TYPE; ACROOSTEOLYSIS, NEUROGENIC; MORVAN DISEASE; NEUROPATHY, CONGENITAL SENSORY. Identifiers: Orphanet 970, MedGen C2752089, MONDO:0024309, OMIM 201300.
Generalized epilepsy with febrile seizures plus, type 7 (GEFSP7). Also called: GEFS+, TYPE 7. Identifiers: Orphanet 36387, MedGen C2751778, MONDO:0013470, OMIM 613863.

Allele frequency attached by ClinVar (database versions not stated): gnomAD exomes 0.00003; ExAC 0.00005.

Submission:

Labcorp Genetics (formerly Invitae), Labcorp
Classification: Uncertain significance for Neuropathy, hereditary sensory and autonomic, type 2A; Generalized epilepsy with febrile seizures plus, type 7. Last evaluated: 2023-06-05. Review status: criteria provided, single submitter. Criteria: Invitae Variant Classification Sherloc (09022015). Collection method: clinical testing. Allele origin: germline.
Comment: In summary, the available evidence is currently insufficient to determine the role of this variant in disease. Therefore, it has been classified as a Variant of Uncertain Significance. Advanced modeling of protein sequence and biophysical properties (such as structural, functional, and spatial information, amino acid conservation, physicochemical variation, residue mobility, and thermodynamic stability) performed at Invitae indicates that this missense variant is not expected to disrupt SCN9A protein function. ClinVar contains an entry for this variant (Variation ID: 1464497). This variant has not been reported in the literature in individuals affected with SCN9A-related conditions. The frequency data for this variant in the population databases is considered unreliable, as metrics indicate poor data quality at this position in the gnomAD database. This sequence change replaces serine, which is neutral and polar, with asparagine, which is neutral and polar, at codon 129 of the SCN9A protein (p.Ser129Asn).

NM_001365536.1(SCN9A):c.386G>A (p.Ser129Asn)

Gene: SCN9A (sodium voltage-gated channel alpha subunit 9; minus strand). Cytogenetic location: 2q24.3.
Variant type: single nucleotide variant.
Coding change: c.386G>A on transcript NM_001365536.1 (MANE Select); coding-DNA position 386, G replaced by A.
Protein change: p.Ser129Asn; replaces serine 129 with asparagine.
Molecular consequence: missense variant.
Genome position (GRCh38, 1-based): chr2:166,306,591, C>T on the plus strand (G>A on the coding strand, the complement: SCN9A is on the minus strand). VCF-style: chr2-166306591-C-T. GRCh37 (hg19) VCF-style: chr2-167163101-C-T.
Other names: c.386G>A, p.Ser129Asn (NM_002977.4); short protein forms S129N.
Identifiers: ClinVar variation 1464497 (VCV001464497.8), dbSNP rs747448727, ClinGen allele CA1944801.